The following is an entry in ClinVar:

ClinVar aggregate classification (germline): Uncertain significance (1 of 4 stars; one submission).

Conditions:
Inborn genetic diseases. Identifiers: MedGen C0950123, MeSH D030342.

Submission:

Ambry Genetics
Classification: Uncertain significance for Inborn genetic diseases. Last evaluated: 2026-07-27. Review status: criteria provided, single submitter. Criteria: Ambry Variant Classification Scheme 2023. Collection method: clinical testing. Allele origin: germline.
Comment: The p.R580T variant (also known as c.1739G>C), located in coding exon 20 of the RTEL1 gene, results from a G to C substitution at nucleotide position 1739. The arginine at codon 580 is replaced by threonine, an amino acid with similar properties. This amino acid position is conserved. In addition, this alteration is predicted to be tolerated by in silico analysis. Based on the available evidence, the clinical significance of this variant remains unclear.

NM_001283009.2(RTEL1):c.1739G>C (p.Arg580Thr)

Genes: RTEL1 (regulator of telomere elongation helicase 1; plus strand), RTEL1-TNFRSF6B (RTEL1-TNFRSF6B readthrough (NMD candidate); plus strand). Cytogenetic location: 20q13.33.
Variant type: single nucleotide variant.
Coding change: c.1739G>C on transcript NM_001283009.2 (MANE Select); coding-DNA position 1739, G replaced by C.
Protein change: p.Arg580Thr; replaces arginine 580 with threonine.
Molecular consequence: missense variant. On other transcripts: non-coding transcript variant (1).
Genome position (GRCh38, 1-based): chr20:63,688,544, G>C. VCF-style: chr20-63688544-G-C. GRCh37 (hg19) VCF-style: chr20-62319897-G-C.
Other names: c.1070G>C, p.Arg357Thr (NM_001283010.1); c.1739G>C, p.Arg580Thr (NM_016434.4); c.1811G>C, p.Arg604Thr (NM_032957.5); short protein forms R357T, R580T, R604T.
Identifiers: ClinVar variation 5028495 (VCV005028495.1).
Genomic context (GRCh38, chr20:63,688,544, plus strand): 5'-CGGCGTGACCAGGGCTGCCGTGTCCCTGCCTCTTCCTCCCACAGGCCCGCGACTTGGCCA[G>C]GAAGATGGAGGCGCTGAAGCCGCTGTTTGTGGAGCCCAGGAGCAAAGGCAGCTTCTCCGA-3'
Protein context (NP_001269938.1, residues 570-590): LEFWRARDLA[Arg580Thr]KMEALKPLFV